The following is an entry in ClinVar:

NC_000023.10:g.(32430031_32456357)_(32519960_32536124)del

Gene: DMD (dystrophin; minus strand). Cytogenetic location: Xp21.1.
Variant type: Deletion.
Identifiers: ClinVar variation 1723271 (VCV001723271.1).

ClinVar aggregate classification (germline): Likely pathogenic (1 of 4 stars; one submission).

Conditions:
Neuromuscular disease caused by qualitative or quantitative defects of dystrophin. Also called: Qualitative or quantitative defects of dystrophin. Identifiers: Orphanet 207085, MedGen C5679787, MONDO:0016147.

Submission:

Women's Health and Genetics/Laboratory Corporation of America, LabCorp
Classification: Likely pathogenic for Neuromuscular disease caused by qualitative or quantitative defects of dystrophin. Last evaluated: 2022-10-10. Review status: criteria provided, single submitter. Criteria: LabCorp Variant Classification Summary - May 2015. Collection method: clinical testing. Allele origin: germline.
Comment: Variant summary: The variant identified by MLPA or other technology involves the deletion of exons 19-29 in the DMD gene. A presumed nomenclature of c.(2292+1_2293-1)_(4071+1_4072-1)del has been designated for the purposes of this classification. Although exact breakpoints of this deletion are not known, it is expected to result in a large in-frame deletion change in the DMD gene, a known mechanism of disease. The variant was absent in 16120 control chromosomes (gnomAD, Structural Variants dataset). Deletion of exons 19-29 has been reported in the literature in individuals affected with Dystrophinopathies (e.g. Florentin_1995, Prior_2005). These data indicate that the variant is likely to be associated with disease. No clinical diagnostic laboratories have submitted clinical-significance assessments for this variant to ClinVar after 2014. Based on the evidence outlined above, the variant was classified as likely pathogenic.

Literature cited by the submitters: PubMed 16049303; PubMed 7897627.